The following is an entry in ClinVar:

NM_000431.4(MVK):c.226+105C>T

Gene: MVK (mevalonate kinase; plus strand). Cytogenetic location: 12q24.11.
Variant type: single nucleotide variant.
Coding change: c.226+105C>T on transcript NM_000431.4 (MANE Select); 105 bases into the intron after coding-DNA position 226, C replaced by T.
Molecular consequence: intron variant.
Genome position (GRCh38, 1-based): chr12:109,576,250, C>T. VCF-style: chr12-109576250-C-T. GRCh37 (hg19) VCF-style: chr12-110014055-C-T.
Other names: c.226+105C>T (NM_001301182.2, NM_001114185.3).
Identifiers: ClinVar variation 1265816 (VCV001265816.5), dbSNP rs3752662, ClinGen allele CA15727044.
Genomic context (GRCh38, chr12:109,576,250, plus strand): 5'-GAGGGCAGCTGGCCAGGTATTCTGGGCTGTCCCCAAGGGAGCCAGGGGCCAGCTATTTCC[C>T]GGGTGTTTTCTACCCTGACCTCATAAAATTAGCTTCACTCATTTTATTTTTTTAAAATTT-3'

ClinVar aggregate classification (germline): Benign. Review status: criteria provided, multiple submitters, no conflicts (2 of 4 stars). 3 submissions from 3 submitters: Benign (3). Last evaluated 2023-11-12.

Allele frequency attached by ClinVar (database versions not stated): gnomAD exomes 0.27005; 1000 Genomes Project 0.29173; 1000 Genomes Project 30x 0.29341; gnomAD 0.31721 and 0.32384; TOPMed 0.32279.
gnomAD v4.1: 396,231 of 1,439,978 alleles (28%); highest among the groups gnomAD compares: African/African-American, 44%; 56,720 homozygotes.

Submissions (3):

Unidad de Genómica Garrahan, Hospital de Pediatría Garrahan
Classification: Benign. Last evaluated: 2023-11-12. Review status: criteria provided, single submitter. Criteria: ACMG Guidelines, 2015. Collection method: clinical testing. Allele origin: germline. Affected: no. Observed: 47 variant alleles.
Comment: This variant is classified as Benign based on local population frequency. This variant was detected in 49% of patients studied by a panel of primary immunodeficiencies. Number of patients: 47. Only high quality variants are reported.

GeneDx
Classification: Benign. Last evaluated: 2015-03-03. Review status: criteria provided, single submitter. Criteria: GeneDx Variant Classification Process June 2021. Collection method: clinical testing. Allele origin: germline. Affected: yes.

Breakthrough Genomics
Classification: Benign. Review status: criteria provided, single submitter. Criteria: ACMG Guidelines, 2015. Collection method: not provided. Allele origin: germline. Inheritance: Autosomal recessive inheritance. Affected: yes.